The following is an entry in ClinVar:

NM_000037.4(ANK1):c.2806GTG[3] (p.Val937_Ile938insVal)

Gene: ANK1 (ankyrin 1; minus strand). Cytogenetic location: 8p11.21.
Variant type: Microsatellite.
Coding change: c.2806GTG[3] on transcript NM_000037.4 (MANE Select); three copies in a row of the 3-base unit GTG starting at c.2806; the reference has two copies in a row; one copy, 3 bases duplicated.
Protein change: p.Val937_Ile938insVal.
Molecular consequence: inframe insertion.
Genome position (GRCh38, 1-based): chr8:41,696,512-41,696,514, CAC duplicated on the plus strand (GTG on the coding strand, the reverse complement: ANK1 is on the minus strand); duplicating any 3 consecutive bases within chr8:41,696,512-41,696,517 gives the same sequence; the position shown is the placement nearest the transcript's 3' end. VCF-style (leftmost placement, unchanged base first): chr8-41696511-T-TCAC. GRCh37 (hg19) VCF-style: chr8-41554029-T-TCAC.
Other names: c.2929GTG[3], p.Val978_Ile979insVal (NM_001142446.2); c.2806GTG[3], p.Val937_Ile938insVal (NM_020475.3, NM_020476.3, NM_020477.3).
Identifiers: ClinVar variation 4685722 (VCV004685722.1).

ClinVar aggregate classification (germline): Uncertain significance (1 of 4 stars; one submission).

Conditions:
Hereditary spherocytosis type 1. Also called: Spherocytosis type 1; ANK1-Related Spherocytosis. Identifiers: Orphanet 822, MedGen C2674218, MONDO:0008447, OMIM 182900.

Submission:

ARUP Laboratories, Molecular Genetics and Genomics, ARUP Laboratories
Classification: Uncertain significance for Hereditary spherocytosis type 1. Last evaluated: 2025-04-01. Review status: criteria provided, single submitter. Criteria: ARUP Molecular Germline Variant Investigation Process 2024. Collection method: clinical testing. Allele origin: germline.
Comment: The ANK1 c.2809_2811dup; p.Val937dup variant, to our knowledge, is not reported in the medical literature or gene specific databases. This variant is also absent from the Genome Aggregation Database (v2.1.1), indicating it is not a common polymorphism. This variant inserts a single valine residue leaving the rest of the protein in-frame. Due to limited information, the clinical significance of this variant is uncertain at this time.